The following is an entry in ClinVar:

ClinVar aggregate classification (germline): Conflicting classifications of pathogenicity. Review status: criteria provided, conflicting classifications (1 of 4 stars). 3 submissions from 3 submitters: Uncertain significance (2); Likely benign (1). Last evaluated 2025-03-19.

Conditions:
Hereditary cancer-predisposing syndrome. Also called: Hereditary Cancer Syndrome; Neoplastic Syndromes, Hereditary; Tumor predisposition; Hereditary neoplastic syndrome. Identifiers: Orphanet 140162, MedGen C0027672, MeSH D009386, MONDO:0015356.
Hereditary breast ovarian cancer syndrome. Also called: Hereditary breast and/or ovarian cancer syndrome; Hereditary breast and ovarian cancer syndrome; Hereditary breast and ovarian cancer syndrome (HBOC); Breast and ovarian cancer; Hereditary breast and ovarian cancer; BRCA1- and BRCA2-Associated Hereditary Breast and Ovarian Cancer. Identifiers: Orphanet 145, MedGen C0677776, MeSH D061325, MONDO:0003582. Disease mechanism: loss of function.

Allele frequency attached by ClinVar (database versions not stated): gnomAD exomes below 0.00001.
gnomAD v4.1: 3 of 1,614,034 alleles (0.00019%); highest among the groups gnomAD compares: Non-Finnish European, 0.00025%; no homozygotes.

Submissions (3):

Labcorp Genetics (formerly Invitae), Labcorp
Classification: Uncertain significance for Hereditary breast ovarian cancer syndrome. Last evaluated: 2025-03-19. Review status: criteria provided, single submitter. Criteria: Invitae Variant Classification Sherloc (09022015). Collection method: clinical testing. Allele origin: germline.
Comment: This sequence change replaces alanine, which is neutral and non-polar, with threonine, which is neutral and polar, at codon 485 of the BRCA1 protein (p.Ala485Thr). This variant is not present in population databases (gnomAD no frequency). This variant has not been reported in the literature in individuals affected with BRCA1-related conditions. ClinVar contains an entry for this variant (Variation ID: 1974842). Invitae Evidence Modeling of protein sequence and biophysical properties (such as structural, functional, and spatial information, amino acid conservation, physicochemical variation, residue mobility, and thermodynamic stability) indicates that this missense variant is not expected to disrupt BRCA1 protein function with a negative predictive value of 80%. In summary, the available evidence is currently insufficient to determine the role of this variant in disease. Therefore, it has been classified as a Variant of Uncertain Significance.

Ambry Genetics
Classification: Uncertain significance for Hereditary cancer-predisposing syndrome. Last evaluated: 2024-12-30. Review status: criteria provided, single submitter. Criteria: Ambry Variant Classification Scheme 2023. Collection method: clinical testing. Allele origin: germline.
Comment: The p.A485T variant (also known as c.1453G>A), located in coding exon 9 of the BRCA1 gene, results from a G to A substitution at nucleotide position 1453. The alanine at codon 485 is replaced by threonine, an amino acid with similar properties. This amino acid position is not well conserved in available vertebrate species. In addition, the in silico prediction for this alteration is inconclusive. Based on the available evidence, the clinical significance of this variant remains unclear.

University of Washington Department of Laboratory Medicine, University of Washington
Classification: Likely benign for Hereditary cancer-predisposing syndrome. Last evaluated: 2023-03-23. Review status: criteria provided, single submitter. Criteria: Dines et al. (Genet Med. 2020). Collection method: curation. Allele origin: germline.
Comment: Missense variant in a coldspot region where missense variants are very unlikely to be pathogenic (PMID:31911673).

BRCA1 coldspot (exon 11 using historical exon numbering). Reclassification based on statistical prior probability

NM_007294.4(BRCA1):c.1453G>A (p.Ala485Thr)

Gene: BRCA1 (BRCA1 DNA repair associated; minus strand). Cytogenetic location: 17q21.31.
Variant type: single nucleotide variant.
Coding change: c.1453G>A on transcript NM_007294.4 (MANE Select); coding-DNA position 1453, G replaced by A.
Protein change: p.Ala485Thr; replaces alanine 485 with threonine.
Molecular consequence: missense variant. On other transcripts: intron variant (137).
Genome position (GRCh38, 1-based): chr17:43,094,078, C>T on the plus strand (G>A on the coding strand, the complement: BRCA1 is on the minus strand). VCF-style: chr17-43094078-C-T. GRCh37 (hg19) VCF-style: chr17-41246095-C-T.
Other names: c.577+666G>A (NM_001408481.1, NM_001408480.1, NM_001408492.1 and 9 more transcripts); c.778+666G>A (NM_001408408.1); c.661+666G>A (NM_001408446.1, NM_001408435.1, NM_001408445.1 and 6 more transcripts); c.784+666G>A (NM_001408401.1, NM_001408396.1, NM_001407985.1 and 13 more transcripts); c.548-3046G>A (NM_001408494.1); c.664+666G>A (NM_001408444.1, NM_001408438.1, NM_001408430.1 and 12 more transcripts); c.670+1768G>A (NM_001408423.1, NM_001408420.1, NM_001408419.1 and 2 more transcripts); c.787+666G>A (NM_001408404.1, NM_001408472.1, NM_001407990.1 and 19 more transcripts); and 40 more; short protein forms A414T, A415T, A418T, A438T, A482T, A484T, A189T, A317T.
Identifiers: ClinVar variation 1974842 (VCV001974842.8), dbSNP rs2552208552, ClinGen allele CA10599136.